The following is an entry in ClinVar:

ClinVar aggregate classification (germline): Uncertain significance (1 of 4 stars; one submission).

Conditions:
Osteogenesis imperfecta type I (OI1). Also called: Osteogenesis imperfecta type 1; OI, TYPE I; OSTEOGENESIS IMPERFECTA TARDA; OSTEOGENESIS IMPERFECTA WITH BLUE SCLERAE; Lobstein's Disease; Lobstein disease. Identifiers: Orphanet 216796, Orphanet 666, MedGen C0023931, MONDO:0008146, OMIM 166200. Disease mechanism: loss of function.

Submission:

Labcorp Genetics (formerly Invitae), Labcorp
Classification: Uncertain significance for Osteogenesis imperfecta type I. Last evaluated: 2017-10-10. Review status: criteria provided, single submitter. Criteria: Invitae Variant Classification Sherloc (09022015). Collection method: clinical testing. Allele origin: germline.
Comment: This variant is a gross duplication of the genomic region encompassing exons 2-51 of the COL1A1 gene. The 5' boundary is likely confined to intron 1. The 3' end of this event is unknown as it extends beyond the assayed region for this gene and therefore may encompass additional genes. The exact location of this variant in the genome is unknown. A duplication of exons 2-51 has not been reported in the literature in individuals affected with a COL1A1-related disease. In summary, the exact genomic location of this variant is unknown and the impact of this duplication on COL1A1 protein function has not been established. Therefore, it has been classified as a Variant of Uncertain Significance.

NC_000017.10:g.(?_48262843)_(48277749_?)dup

Genes: COL1A1 (collagen type I alpha 1 chain; minus strand), LOC130061153 (ATAC-STARR-seq lymphoblastoid silent region 8690; plus strand), LOC126862586 (CDK7 strongly-dependent group 2 enhancer GRCh37_chr17:48273702-48274901; plus strand), LOC130061152 (ATAC-STARR-seq lymphoblastoid silent region 8689; plus strand). Cytogenetic location: 17q21.33.
Variant type: Duplication.
Identifiers: ClinVar variation 526878 (VCV000526878.1).